The following is an entry in ClinVar:

ClinVar aggregate classification (germline): Benign. Review status: criteria provided, multiple submitters, no conflicts (2 of 4 stars). 3 submissions from 3 submitters: Benign (3). Last evaluated 2019-12-31.

Conditions:
Congenital fibrosis of extraocular muscles type 1. Also called: CFEOM3B; BLEPHAROPTOSIS WITH ABSENT EYE MOVEMENTS; OPHTHALMOPLEGIA, CONGENITAL; FEOM1 LOCUS. Identifiers: MedGen C1851102, MONDO:0021083, OMIM 135700.

Allele frequency attached by ClinVar (database versions not stated): 1000 Genomes Project 0.01038; gnomAD 0.00207 and 0.00135; gnomAD exomes 0.00165 and 0.00418; TOPMed 0.00233; ExAC 0.00386; 1000 Genomes Project 30x 0.01015.
gnomAD v4.1: 2,748 of 1,613,318 alleles (0.17%); highest among the groups gnomAD compares: East Asian, 5.5%; 71 homozygotes.

Submissions (3):

Labcorp Genetics (formerly Invitae), Labcorp
Classification: Benign. Last evaluated: 2019-12-31. Review status: criteria provided, single submitter. Criteria: Invitae Variant Classification Sherloc (09022015). Collection method: clinical testing. Allele origin: germline.

Illumina Laboratory Services, Illumina
Classification: Benign for Congenital fibrosis of extraocular muscles type 1. Last evaluated: 2018-01-12. Review status: criteria provided, single submitter. Criteria: ICSL Variant Classification Criteria 13 December 2019. Collection method: clinical testing. Allele origin: germline.
Comment: This variant was observed in the ICSL laboratory as part of a predisposition screen in an ostensibly healthy population. It had not been previously curated by ICSL or reported in the Human Gene Mutation Database (HGMD: prior to June 1st, 2018), and was therefore a candidate for classification through an automated scoring system. Utilizing variant allele frequency, disease prevalence and penetrance estimates, and inheritance mode, an automated score was calculated to assess if this variant is too frequent to cause the disease. Based on the score and internal cut-off values, a variant classified as benign is not then subjected to further curation. The score for this variant resulted in a classification of benign for this disease.

Breakthrough Genomics
Classification: Benign. Review status: criteria provided, single submitter. Criteria: ACMG Guidelines, 2015. Collection method: not provided. Allele origin: germline. Inheritance: Autosomal dominant inheritance. Affected: yes.

NM_001173464.2(KIF21A):c.3118C>T (p.Leu1040=)

Gene: KIF21A (kinesin family member 21A; minus strand). Cytogenetic location: 12q12.
Variant type: single nucleotide variant.
Coding change: c.3118C>T on transcript NM_001173464.2 (MANE Select); coding-DNA position 3118, C replaced by T.
Protein change: p.Leu1040=; no amino-acid change (leucine 1040 retained).
Molecular consequence: synonymous variant.
Genome position (GRCh38, 1-based): chr12:39,331,725, G>A on the plus strand (C>T on the coding strand, the complement: KIF21A is on the minus strand). VCF-style: chr12-39331725-G-A. GRCh37 (hg19) VCF-style: chr12-39725527-G-A.
Other names: c.3079C>T, p.Leu1027= (NM_001173463.2, NM_017641.4); c.3010C>T, p.Leu1004= (NM_001173465.2).
Identifiers: ClinVar variation 308563 (VCV000308563.10), dbSNP rs79512568, ClinGen allele CA6510612.